The following is an entry in ClinVar:

ClinVar aggregate classification (germline): Uncertain significance (1 of 4 stars; one submission).

Submission:

Illumina Laboratory Services, Illumina
Classification: Uncertain significance. Last evaluated: 2020-10-20. Review status: criteria provided, single submitter. Criteria: ICSL CNVClassificationCriteria Aug2020. Collection method: clinical testing. Allele origin: unknown.
Comment: This CNV is a 3.1 Mb duplication of 13q12.11-q12.13 on chromosome 13, (seq[GRCh37]dup(13)(q12.11q12.13; chr13:g.22423865_25504992dup), which is inherited and constitutes a gain encompassing 11 protein-coding genes. Similar CNVs have not been reported in cases or controls in public data repositories (Firth et al. 2009; Cooper et al. 2011; MacDonald et al. 2014), but a 3.2 Mb chromosomal duplication of 13q12.11q12.12 that closely overlaps this CNV was identified in a fetus that grew into a phenotypically normal baby (Chen et al. 2020). Smaller gains completely encompassed by this CNV are observed in both cases and controls. In cases, the most common phenotypes reported include cognitive impairment, intellectual disability, developmental delay, and behavioral abnormalities like ADHD and autism. Smaller gains completely encompassed by this CNV are also reported in ClinVar, with classifications ranging from uncertain clinical significance to benign (Landrum et al. 2016). A relationship between duplication of genes outside the region previously reported in cases/controls and disease was not identified. Based on the limited evidence currently available, this CNV is classified as a variant of uncertain significance.

Literature cited by the submitters: PubMed 19344873; PubMed 21841781; PubMed 24174537; PubMed 26582918; PubMed 32127162.

GRCh37/hg19 13q12.11-12.13(chr13:22423865-25504992)x3

Genes: ATP12A (ATPase H+/K+ transporting non-gastric alpha2 subunit; plus strand), C1QTNF9 (C1q and TNF related 9; plus strand), C1QTNF9B (C1q and TNF related 9B; minus strand), CPAP (centrosome assembly and centriole elongation protein; minus strand), MIPEP (mitochondrial intermediate peptidase; minus strand) and 7 more. Cytogenetic location: 13q12.11-12.13.
Variant type: copy number gain.
Change: copy number 3 (three copies instead of two) of chr13:22,423,865-25,504,992 (3.08 Mb, GRCh37 coordinates, 1-based), cytogenetic band 13q12.11-12.13.
Identifiers: ClinVar variation 988909 (VCV000988909.4).